The following is an entry in ClinVar:

NM_001105206.3(LAMA4):c.718+6G>T

Gene: LAMA4 (laminin subunit alpha 4; minus strand). Cytogenetic location: 6q21.
Variant type: single nucleotide variant.
Coding change: c.718+6G>T on transcript NM_001105206.3 (MANE Select); 6 bases into the intron after coding-DNA position 718, G replaced by T.
Molecular consequence: intron variant.
Genome position (GRCh38, 1-based): chr6:112,191,630, C>A on the plus strand (G>T on the coding strand, the complement: LAMA4 is on the minus strand). VCF-style: chr6-112191630-C-A. GRCh37 (hg19) VCF-style: chr6-112512832-C-A.
Other names: c.718+6G>T (NM_002290.5, NM_001105207.3).
Identifiers: ClinVar variation 1384145 (VCV001384145.6), dbSNP rs782180015, ClinGen allele CA3966076.

ClinVar aggregate classification (germline): Uncertain significance (1 of 4 stars; one submission).

Conditions:
Dilated cardiomyopathy 1JJ (CMD1JJ). Identifiers: Orphanet 154, MedGen C3808935, MONDO:0014095, OMIM 615235.

Allele frequency attached by ClinVar (database versions not stated): gnomAD exomes 0.00001 and 0.00004; TOPMed 0.00001; ExAC 0.00003.
gnomAD v4.1: 11 of 1,607,214 alleles (0.00068%); highest among the groups gnomAD compares: Admixed American, 0.018%; no homozygotes.

Submission:

Labcorp Genetics (formerly Invitae), Labcorp
Classification: Uncertain significance for Dilated cardiomyopathy 1JJ. Last evaluated: 2024-05-22. Review status: criteria provided, single submitter. Criteria: Invitae Variant Classification Sherloc (09022015). Collection method: clinical testing. Allele origin: germline.
Comment: This sequence change falls in intron 6 of the LAMA4 gene. It does not directly change the encoded amino acid sequence of the LAMA4 protein. It affects a nucleotide within the consensus splice site. This variant is present in population databases (rs782180015, gnomAD 0.03%). This variant has not been reported in the literature in individuals affected with LAMA4-related conditions. ClinVar contains an entry for this variant (Variation ID: 1384145). Variants that disrupt the consensus splice site are a relatively common cause of aberrant splicing (PMID: 17576681, 9536098). Algorithms developed to predict the effect of sequence changes on RNA splicing suggest that this variant may disrupt the consensus splice site. In summary, the available evidence is currently insufficient to determine the role of this variant in disease. Therefore, it has been classified as a Variant of Uncertain Significance.

Literature cited by the submitters: PubMed 17576681; PubMed 9536098.